The following is an entry in ClinVar:

NM_015474.4(SAMHD1):c.1160C>T (p.Thr387Ile)

Gene: SAMHD1 (SAM and HD domain containing deoxynucleoside triphosphate triphosphohydrolase 1; minus strand). Cytogenetic location: 20q11.23.
Variant type: single nucleotide variant.
Coding change: c.1160C>T on transcript NM_015474.4 (MANE Select); coding-DNA position 1160, C replaced by T.
Protein change: p.Thr387Ile; replaces threonine 387 with isoleucine.
Molecular consequence: missense variant.
Genome position (GRCh38, 1-based): chr20:36,911,328, G>A on the plus strand (C>T on the coding strand, the complement: SAMHD1 is on the minus strand). VCF-style: chr20-36911328-G-A. GRCh37 (hg19) VCF-style: chr20-35539731-G-A.
Other names: c.1160C>T, p.Thr387Ile (NM_001363729.2, NM_001363733.2); short protein forms T387I.
Identifiers: ClinVar variation 1356421 (VCV001356421.8), dbSNP rs2063439054, ClinGen allele CA408843703.

ClinVar aggregate classification (germline): Uncertain significance (1 of 4 stars; one submission).

Conditions:
Aicardi-Goutieres syndrome 5. Identifiers: Orphanet 51, MedGen C2749659, MONDO:0013059, OMIM 612952.

Allele frequency attached by ClinVar (database versions not stated): TOPMed below 0.00001; gnomAD exomes 0.00001.
gnomAD v4.1: 9 of 1,604,864 alleles (0.00056%); highest among the groups gnomAD compares: Non-Finnish European, 0.00077%; no homozygotes.

Submission:

Labcorp Genetics (formerly Invitae), Labcorp
Classification: Uncertain significance for Aicardi-Goutieres syndrome 5. Last evaluated: 2024-02-16. Review status: criteria provided, single submitter. Criteria: Invitae Variant Classification Sherloc (09022015). Collection method: clinical testing. Allele origin: germline.
Comment: This sequence change replaces threonine, which is neutral and polar, with isoleucine, which is neutral and non-polar, at codon 387 of the SAMHD1 protein (p.Thr387Ile). This variant is not present in population databases (gnomAD no frequency). This variant has not been reported in the literature in individuals affected with SAMHD1-related conditions. ClinVar contains an entry for this variant (Variation ID: 1356421). Advanced modeling of protein sequence and biophysical properties (such as structural, functional, and spatial information, amino acid conservation, physicochemical variation, residue mobility, and thermodynamic stability) performed at Invitae indicates that this missense variant is not expected to disrupt SAMHD1 protein function with a negative predictive value of 80%. In summary, the available evidence is currently insufficient to determine the role of this variant in disease. Therefore, it has been classified as a Variant of Uncertain Significance.